The following is an entry in ClinVar:

NM_000179.3(MSH6):c.3755del (p.Ser1251_Leu1252insTer)

Gene: MSH6 (mutS homolog 6; plus strand). Cytogenetic location: 2p16.3.
Variant type: Deletion.
Coding change: c.3755del on transcript NM_000179.3 (MANE Select); coding-DNA position 3755, one base deleted (T; older notation c.3755delT).
Protein change: p.Ser1251_Leu1252insTer.
Molecular consequence: nonsense. On other transcripts: frameshift variant (38).
Genome position (GRCh38, 1-based): chr2:47,806,312, T deleted; the last of 2 consecutive T bases (chr2:47,806,311-47,806,312); deleting either gives the same sequence. VCF-style (leftmost placement, unchanged base first): chr2-47806310-AT-A. GRCh37 (hg19) VCF-style: chr2-48033449-AT-A.
Other names: c.3365del, p.Ser1121_Leu1122insTer (NM_001281492.2); c.2849del, p.Ser949_Leu950insTer (NM_001281493.2, NM_001281494.2); c.3851delT, p.Leu1284Terfs (NM_001406795.1, NM_001406802.1); c.3755delT, p.Leu1252Terfs (NM_001406796.1, NM_001406800.1, NM_001406808.1 and 1 more transcripts); c.3458delT, p.Leu1153Terfs (NM_001406797.1, NM_001406801.1, NM_001406805.1 and 10 more transcripts); c.3581delT, p.Leu1194Terfs (NM_001406798.1); c.3230delT, p.Leu1077Terfs (NM_001406799.1, NM_001406806.1, NM_001406807.1); c.2891delT, p.Leu964Terfs (NM_001406803.1); and 8 more.
Identifiers: ClinVar variation 2036545 (VCV002036545.4), dbSNP rs2530846113, ClinGen allele CA2580067318.

ClinVar aggregate classification (germline): Pathogenic (1 of 4 stars; one submission).

Conditions:
Hereditary nonpolyposis colorectal neoplasms. Identifiers: MedGen C0009405, MeSH D003123.

Submission:

Labcorp Genetics (formerly Invitae), Labcorp
Classification: Pathogenic for Hereditary nonpolyposis colorectal neoplasms. Last evaluated: 2022-10-22. Review status: criteria provided, single submitter. Criteria: Invitae Variant Classification Sherloc (09022015). Collection method: clinical testing. Allele origin: germline.
Comment: For these reasons, this variant has been classified as Pathogenic. This variant has not been reported in the literature in individuals affected with MSH6-related conditions. This variant is not present in population databases (gnomAD no frequency). This sequence change creates a premature translational stop signal (p.Leu1252*) in the MSH6 gene. It is expected to result in an absent or disrupted protein product. Loss-of-function variants in MSH6 are known to be pathogenic (PMID: 18269114, 24362816).

Literature cited by the submitters: PubMed 18269114; PubMed 24362816.